The following is an entry in ClinVar:

ClinVar aggregate classification (germline): Uncertain significance (1 of 4 stars; one submission).

Allele frequency attached by ClinVar (database versions not stated): gnomAD 0.00001; gnomAD exomes 0.00001; TOPMed 0.00002.
gnomAD v4.1: 22 of 1,611,812 alleles (0.0014%); highest among the groups gnomAD compares: Admixed American, 0.0017%; no homozygotes.

Submission:

Labcorp Genetics (formerly Invitae), Labcorp
Classification: Uncertain significance. Last evaluated: 2024-03-05. Review status: criteria provided, single submitter. Criteria: Invitae Variant Classification Sherloc (09022015). Collection method: clinical testing. Allele origin: germline.
Comment: This sequence change replaces alanine, which is neutral and non-polar, with threonine, which is neutral and polar, at codon 737 of the IL17RD protein (p.Ala737Thr). This variant is present in population databases (no rsID available, gnomAD 0.003%). This variant has not been reported in the literature in individuals affected with IL17RD-related conditions. An algorithm developed to predict the effect of missense changes on protein structure and function (PolyPhen-2) suggests that this variant is likely to be disruptive. In summary, the available evidence is currently insufficient to determine the role of this variant in disease. Therefore, it has been classified as a Variant of Uncertain Significance.

NM_017563.5(IL17RD):c.2209G>A (p.Ala737Thr)

Gene: IL17RD (interleukin 17 receptor D; minus strand). Cytogenetic location: 3p14.3.
Variant type: single nucleotide variant.
Coding change: c.2209G>A on transcript NM_017563.5 (MANE Select); coding-DNA position 2209, G replaced by A.
Protein change: p.Ala737Thr; replaces alanine 737 with threonine.
Molecular consequence: missense variant.
Genome position (GRCh38, 1-based): chr3:57,096,404, C>T on the plus strand (G>A on the coding strand, the complement: IL17RD is on the minus strand). VCF-style: chr3-57096404-C-T. GRCh37 (hg19) VCF-style: chr3-57130432-C-T.
Other names: c.2209G>A, p.Ala737Thr (NM_001080973.1); c.1777G>A, p.Ala593Thr (NM_001318864.2); short protein forms A593T, A737T.
Identifiers: ClinVar variation 2889005 (VCV002889005.3), dbSNP rs1024143653, ClinGen allele CA74986629.
Genomic context (GRCh38, chr3:57,096,404, plus strand): 5'-CAGAGGGAGGCAGCAGCTAAAGTGGCAATGCTTAGACTCTTTCGTTTTGTTACAAAGGGG[C>T]GACCGCGTGGAGTTCATCAGTGTAGCTGCGGCAACCAAGATCTGCTTTGCATGACCCAGA-3'
Protein context (NP_060033.3, residues 727-739): RSYTDELHAV[Ala737Thr]PL